The following is an entry in ClinVar:

NM_003383.5(VLDLR):c.1484G>C (p.Ser495Thr)

Genes: VLDLR (very low density lipoprotein receptor; plus strand), LOC130001471 (ATAC-STARR-seq lymphoblastoid silent region 19736; plus strand). Cytogenetic location: 9p24.2.
Variant type: single nucleotide variant.
Coding change: c.1484G>C on transcript NM_003383.5 (MANE Select); coding-DNA position 1484, G replaced by C.
Protein change: p.Ser495Thr; replaces serine 495 with threonine.
Molecular consequence: missense variant.
Genome position (GRCh38, 1-based): chr9:2,645,745, G>C. VCF-style: chr9-2645745-G-C. GRCh37 (hg19) VCF-style: chr9-2645745-G-C.
Other names: c.1484G>C, p.Ser495Thr (NM_001018056.3); c.1361G>C, p.Ser454Thr (NM_001322225.2, NM_001322226.2); short protein forms S454T, S495T.
Identifiers: ClinVar variation 1219774 (VCV001219774.3), dbSNP rs1415296692, ClinGen allele CA372794712.
Genomic context (GRCh38, chr9:2,645,745, plus strand): 5'-ATGCTGACATTGCTGCCCAGAAACTATTCTGGGCCGATCTAAGCCAAAAGGCTATCTTCA[G>C]GTAACTTTCAGTTCCTTTTGTGGTGTCTTGACATAAGTCATTGTCACTTGGGAAGTGATC-3'
Protein context (NP_003374.3, residues 485-505): WADLSQKAIF[Ser495Thr]ASIDDKVGRH

ClinVar aggregate classification (germline): Likely pathogenic (1 of 4 stars; one submission).

Submission:

GeneDx
Classification: Likely pathogenic. Last evaluated: 2020-02-20. Review status: criteria provided, single submitter. Criteria: GeneDx Variant Classification Process June 2021. Collection method: clinical testing. Allele origin: germline. Affected: yes.
Comment: Nucleotide substitution occurring in the last position of the exon in a gene for which loss-of-function is a known mechanism of disease, and splice predictors support a deleterious effect; Not observed in large population cohorts (Lek et al., 2016); Has not been previously published as pathogenic or benign to our knowledge